The following is an entry in ClinVar:

ClinVar aggregate classification (germline): Uncertain significance (1 of 4 stars; one submission).

gnomAD v4.1: 8 of 1,613,776 alleles (0.0005%); highest among the groups gnomAD compares: Admixed American, 0.0017%; no homozygotes.

Submission:

Women's Health and Genetics/Laboratory Corporation of America, LabCorp
Classification: Uncertain significance. Last evaluated: 2024-11-27. Review status: criteria provided, single submitter. Criteria: LabCorp Variant Classification Summary - May 2015. Collection method: clinical testing. Allele origin: germline.
Comment: Variant summary: AEBP1 c.1931G>A (p.Arg644Gln) results in a conservative amino acid change in the encoded protein sequence. Four of five in-silico tools predict a benign effect of the variant on protein function. The variant allele was found at a frequency of 4e-06 in 250800 control chromosomes. The available data on variant occurrences in the general population are insufficient to allow any conclusion about variant significance. To our knowledge, no occurrence of c.1931G>A in individuals affected with Ehlers-Danlos syndrome, classic-like, 2 and no experimental evidence demonstrating its impact on protein function have been reported. No submitters have cited clinical-significance assessments for this variant to ClinVar. Based on the evidence outlined above, the variant was classified as uncertain significance.

NM_001129.5(AEBP1):c.1931G>A (p.Arg644Gln)

Gene: AEBP1 (AE binding protein 1; plus strand). Cytogenetic location: 7p13.
Variant type: single nucleotide variant.
Coding change: c.1931G>A on transcript NM_001129.5 (MANE Select); coding-DNA position 1931, G replaced by A.
Protein change: p.Arg644Gln; replaces arginine 644 with glutamine.
Molecular consequence: missense variant.
Genome position (GRCh38, 1-based): chr7:44,111,944, G>A. VCF-style: chr7-44111944-G-A. GRCh37 (hg19) VCF-style: chr7-44151543-G-A.
Other names: short protein forms R644Q.
Identifiers: ClinVar variation 3629499 (VCV003629499.2).
Genomic context (GRCh38, chr7:44,111,944, plus strand): 5'-TCCATGGCAACGAGGTGCTGGGCCGAGAGCTGTTGCTGCTGCTCATGCAGTACCTGTGCC[G>A]AGAGTACCGCGATGGGAACCCACGTGTGCGCAGCCTGGTGCAGGACACACGCATCCACCT-3'
Protein context (NP_001120.3, residues 634-654): LLLLLMQYLC[Arg644Gln]EYRDGNPRVR